The following is an entry in ClinVar:

NM_003482.4(KMT2D):c.15108_15110del (p.His5036_Glu5037delinsGln)

Gene: KMT2D (lysine methyltransferase 2D; minus strand). Cytogenetic location: 12q13.12.
Variant type: Deletion.
Coding change: c.15108_15110del on transcript NM_003482.4 (MANE Select); coding-DNA positions 15108 to 15110, 3 bases deleted (TGA; older notation c.15108_15110delTGA).
Protein change: p.His5036_Glu5037delinsGln.
Molecular consequence: inframe indel.
Genome position (GRCh38, 1-based): chr12:49,026,856-49,026,858, TCA deleted on the plus strand (TGA on the coding strand, the reverse complement: KMT2D is on the minus strand); deleting any 3 consecutive bases within chr12:49,026,856-49,026,859 gives the same sequence; the c. name uses the placement nearest the transcript's 3' end. VCF-style (leftmost placement, unchanged base first): chr12-49026855-CTCA-C. GRCh37 (hg19) VCF-style: chr12-49420638-CTCA-C.
Other names: c.15108_15110delTGA (NM_003482.4).
Identifiers: ClinVar variation 1691451 (VCV001691451.2), dbSNP rs2499037879, ClinGen allele CA645594449.

ClinVar aggregate classification (germline): Pathogenic (0 of 4 stars; one submission).

Conditions:
Kabuki syndrome 1 (KABUK1). Also called: KMT2D-Related Kabuki Syndrome. Identifiers: Orphanet 2322, MedGen CN030661, MONDO:0007843, OMIM 147920.

Submission:

Department of Medical Genetics, National Institute of Health
Classification: Pathogenic for Kabuki syndrome 1. Last evaluated: 2022-06-13. Review status: no assertion criteria provided. Collection method: clinical testing. Allele origin: de novo. Inheritance: Autosomal dominant inheritance. Affected: yes. Observed: 1 heterozygote.
Comment: Clinical exome sequencing identified a novel heterozygous variant: NM_003482.4(KMT2D):c.15108_15110delTGA (p.His5036_Glu5037delinsGln) in exon 49 of the KMT2D gene. This variant has not been previously reported and was not found in 138 Moroccan Clinical exomes (in-house database). It is classified as pathogenic on American College of Medical Genetics and Genomics (ACMG) according to these criteria: PM1,PM2,PM4, and PP3.